The following is an entry in ClinVar:

ClinVar aggregate classification (germline): Conflicting classifications of pathogenicity. Review status: criteria provided, conflicting classifications (1 of 4 stars). 5 submissions from 5 submitters: Uncertain significance (3); Likely benign (1). 1 of the submissions does not count toward it. Last evaluated 2025-09-18.

Conditions:
Alstrom syndrome (ALMS). Identifiers: Orphanet 64, MedGen C0268425, MONDO:0008763, OMIM 203800.
Cardiovascular phenotype. Identifiers: MedGen CN230736.

Allele frequency attached by ClinVar (database versions not stated): gnomAD 0.00001; gnomAD exomes 0.00001; TOPMed 0.00002.
gnomAD v4.1: 11 of 1,566,086 alleles (0.0007%); highest among the groups gnomAD compares: Middle Eastern, 0.017%; no homozygotes.

Submissions (5):

Ambry Genetics
Classification: Likely benign for Cardiovascular phenotype. Last evaluated: 2025-09-18. Review status: criteria provided, single submitter. Criteria: Ambry Variant Classification Scheme 2023. Collection method: clinical testing. Allele origin: germline.

GeneDx
Classification: Uncertain significance. Last evaluated: 2025-07-11. Review status: criteria provided, single submitter. Criteria: GeneDx Variant Classification Process June 2021. Collection method: clinical testing. Allele origin: germline. Affected: yes.
Comment: Not observed at significant frequency in large population cohorts (gnomAD); In silico analysis supports that this missense variant has a deleterious effect on protein structure/function; Has not been previously published as pathogenic or benign to our knowledge

Labcorp Genetics (formerly Invitae), Labcorp
Classification: Uncertain significance for Alstrom syndrome. Last evaluated: 2022-09-30. Review status: criteria provided, single submitter. Criteria: Invitae Variant Classification Sherloc (09022015). Collection method: clinical testing. Allele origin: germline.
Comment: This sequence change replaces proline, which is neutral and non-polar, with leucine, which is neutral and non-polar, at codon 90 of the ALMS1 protein (p.Pro90Leu). This variant is present in population databases (no rsID available, gnomAD 0.01%). This variant has not been reported in the literature in individuals affected with ALMS1-related conditions. ClinVar contains an entry for this variant (Variation ID: 424286). Experimental studies and prediction algorithms are not available or were not evaluated, and the functional significance of this variant is currently unknown. In summary, the available evidence is currently insufficient to determine the role of this variant in disease. Therefore, it has been classified as a Variant of Uncertain Significance.

Department of Pathology and Laboratory Medicine, Sinai Health System
Classification: Uncertain significance for Alstrom syndrome. Last evaluated: 2021-07-30. Review status: criteria provided, single submitter. Criteria: ACMG Guidelines, 2015. Collection method: research. Allele origin: germline.

Natera, Inc.
Classification: Uncertain significance for Alstrom syndrome. Last evaluated: 2020-01-24. Review status: no assertion criteria provided. Collection method: clinical testing. Allele origin: germline. Not counted in ClinVar's aggregate classification.

NM_001378454.1(ALMS1):c.266C>T (p.Pro89Leu)

Gene: ALMS1 (ALMS1 centrosome and basal body associated protein; plus strand). Cytogenetic location: 2p13.1.
Variant type: single nucleotide variant.
Coding change: c.266C>T on transcript NM_001378454.1 (MANE Select); coding-DNA position 266, C replaced by T.
Protein change: p.Pro89Leu; replaces proline 89 with leucine.
Molecular consequence: missense variant.
Genome position (GRCh38, 1-based): chr2:73,386,134, C>T. VCF-style: chr2-73386134-C-T. GRCh37 (hg19) VCF-style: chr2-73613262-C-T.
Other names: c.269C>T, p.Pro90Leu (NM_015120.4); short protein forms P90L, P89L.
Identifiers: ClinVar variation 424286 (VCV000424286.10), dbSNP rs989191437, ClinGen allele CA16617752.